The following is an entry in ClinVar:

NM_001395498.1(TIMM17B):c.140G>A (p.Arg47Gln)

Gene: TIMM17B (translocase of inner mitochondrial membrane 17B; minus strand). Cytogenetic location: Xp11.23.
Variant type: single nucleotide variant.
Coding change: c.140G>A on transcript NM_001395498.1 (MANE Select); coding-DNA position 140, G replaced by A.
Protein change: p.Arg47Gln; replaces arginine 47 with glutamine.
Molecular consequence: missense variant.
Genome position (GRCh38, 1-based): chrX:48,895,088, C>T on the plus strand (G>A on the coding strand, the complement: TIMM17B is on the minus strand). VCF-style: chrX-48895088-C-T. GRCh37 (hg19) VCF-style: chrX-48752371-C-T.
Other names: c.290G>A, p.Arg97Gln (NM_001167947.2, NM_001395497.1); c.140G>A, p.Arg47Gln (NM_005834.5); short protein forms R97Q, R47Q.
Identifiers: ClinVar variation 5030858 (VCV005030858.1).

ClinVar aggregate classification (germline): Uncertain significance (1 of 4 stars; one submission).

gnomAD v4.1: 4 of 1,197,347 alleles (0.00033%); highest among the groups gnomAD compares: Middle Eastern, 0.023%; no homozygotes.

Submission:

Ambry Genetics
Classification: Uncertain significance. Last evaluated: 2026-06-24. Review status: criteria provided, single submitter. Criteria: Ambry Variant Classification Scheme 2023. Collection method: clinical testing. Allele origin: germline.
Comment: The c.290G>A (p.R97Q) alteration is located in exon 5 (coding exon 4) of the TIMM17B gene. This alteration results from a G to A substitution at nucleotide position 290, causing the arginine (R) at amino acid position 97 to be replaced by a glutamine (Q). Based on data from gnomAD, the A allele has an overall frequency of 0.001% (1/155666) total alleles studied. The highest observed frequency was 0.009% (1/11393) of African alleles. Based on insufficient or conflicting evidence, the clinical significance of this alteration remains unclear.